The following is an entry in ClinVar:

NM_004595.5(SMS):c.946-3T>G

Gene: SMS (spermine synthase; plus strand). Cytogenetic location: Xp22.11.
Variant type: single nucleotide variant.
Coding change: c.946-3T>G on transcript NM_004595.5 (MANE Select); 3 bases into the intron before coding-DNA position 946, T replaced by G.
Molecular consequence: intron variant.
Genome position (GRCh38, 1-based): chrX:21,992,594, T>G. VCF-style: chrX-21992594-T-G. GRCh37 (hg19) VCF-style: chrX-22010712-T-G.
Other names: c.787-3T>G (NM_001258423.2).
Identifiers: ClinVar variation 3368758 (VCV003368758.1).

ClinVar aggregate classification (germline): Uncertain significance (1 of 4 stars; one submission).

Submission:

GeneDx
Classification: Uncertain significance. Last evaluated: 2024-02-02. Review status: criteria provided, single submitter. Criteria: GeneDx Variant Classification Process June 2021. Collection method: clinical testing. Allele origin: germline. Affected: yes.
Comment: Not observed at significant frequency in large population cohorts (gnomAD); In silico analysis supports a deleterious effect on splicing; Has not been previously published as pathogenic or benign to our knowledge